The following is an entry in ClinVar:

NM_177438.3(DICER1):c.1224T>G (p.Asn408Lys)

Gene: DICER1 (dicer 1, ribonuclease III; minus strand). Cytogenetic location: 14q32.13.
Variant type: single nucleotide variant.
Coding change: c.1224T>G on transcript NM_177438.3 (MANE Select); coding-DNA position 1224, T replaced by G.
Protein change: p.Asn408Lys; replaces asparagine 408 with lysine.
Molecular consequence: missense variant.
Genome position (GRCh38, 1-based): chr14:95,124,348, A>C on the plus strand (T>G on the coding strand, the complement: DICER1 is on the minus strand). VCF-style: chr14-95124348-A-C. GRCh37 (hg19) VCF-style: chr14-95590685-A-C.
Other names: c.1224T>G, p.Asn408Lys (NM_001195573.1, NM_001271282.3, NM_001291628.2 and 1 more transcripts); short protein forms N408K.
Identifiers: ClinVar variation 1525958 (VCV001525958.7), dbSNP rs1595438709, ClinGen allele CA390886621.

ClinVar aggregate classification (germline): Uncertain significance (1 of 4 stars; one submission).

Conditions:
DICER1-related tumor predisposition. Also called: DICER1 syndrome; DICER1-related pleuropulmonary blastoma cancer predisposition syndrome. Identifiers: Orphanet 284343, MedGen C3839822, MONDO:0100216.

Allele frequency attached by ClinVar (database versions not stated): gnomAD exomes below 0.00001.
gnomAD v4.1: 1 of 1,614,010 alleles (0.000062%); highest among the groups gnomAD compares: South Asian, 0.0011%; no homozygotes.

Submission:

Labcorp Genetics (formerly Invitae), Labcorp
Classification: Uncertain significance for DICER1-related tumor predisposition. Last evaluated: 2021-10-16. Review status: criteria provided, single submitter. Criteria: Invitae Variant Classification Sherloc (09022015). Collection method: clinical testing. Allele origin: germline.
Comment: Algorithms developed to predict the effect of sequence changes on RNA splicing suggest that this variant may create or strengthen a splice site. Algorithms developed to predict the effect of missense changes on protein structure and function are either unavailable or do not agree on the potential impact of this missense change (SIFT: "Deleterious"; PolyPhen-2: "Probably Damaging"; Align-GVGD: "Class C0"). This variant has not been reported in the literature in individuals affected with DICER1-related conditions. This variant is not present in population databases (ExAC no frequency). This sequence change replaces asparagine with lysine at codon 408 of the DICER1 protein (p.Asn408Lys). The asparagine residue is highly conserved and there is a moderate physicochemical difference between asparagine and lysine. In summary, the available evidence is currently insufficient to determine the role of this variant in disease. Therefore, it has been classified as a Variant of Uncertain Significance.